The following is an entry in ClinVar:

NM_001110219.3(GJB6):c.753T>G (p.Ser251Arg)

Gene: GJB6 (gap junction protein beta 6; minus strand). Cytogenetic location: 13q12.11.
Variant type: single nucleotide variant.
Coding change: c.753T>G on transcript NM_001110219.3 (MANE Select); coding-DNA position 753, T replaced by G.
Protein change: p.Ser251Arg; replaces serine 251 with arginine.
Molecular consequence: missense variant.
Genome position (GRCh38, 1-based): chr13:20,222,728, A>C on the plus strand (T>G on the coding strand, the complement: GJB6 is on the minus strand). VCF-style: chr13-20222728-A-C. GRCh37 (hg19) VCF-style: chr13-20796867-A-C.
Other names: c.753T>G, p.Ser251Arg (NM_001110220.3, NM_001110221.3, NM_001370090.1 and 3 more transcripts); short protein forms S251R.
Identifiers: ClinVar variation 1496632 (VCV001496632.6), dbSNP rs752343828, ClinGen allele CA6904373.

ClinVar aggregate classification (germline): Uncertain significance (1 of 4 stars; one submission).

Conditions:
Autosomal dominant nonsyndromic hearing loss 3B. Identifiers: Orphanet 90635, MedGen C2675237, MONDO:0012975, OMIM 612643.
Hidrotic ectodermal dysplasia syndrome (GJB6). Also called: CLOUSTON HIDROTIC ECTODERMAL DYSPLASIA; Ectodermal dysplasia 2, hidrotic; Autosomal dominant hidrotic ectodermal dysplasia; Clouston syndrome; Clouston's hidrotic ectodermal dysplasia; Hidrotic ectodermal dysplasia. Identifiers: Orphanet 189, MedGen C0162361, MONDO:0007510, OMIM 129500.
Autosomal recessive nonsyndromic hearing loss 1A (DFNB1A). Also called: GJB6-Related DFNB 1 Nonsyndromic Hearing Loss and Deafness; Deafness, autosomal recessive 1A; Connexin 26 deafness; Deafness nonsyndromic, Connexin 26 linked; Nonsyndromic Hearing Loss and Deafness, DFNB1; GJB2-Related Autosomal Recessive Nonsyndromic Hearing Loss. Identifiers: Orphanet 90636, MedGen C2673759, MONDO:0009076, OMIM 220290.
Autosomal recessive nonsyndromic hearing loss 1B. Also called: DEAFNESS, AUTOSOMAL RECESSIVE 1B. Identifiers: Orphanet 90636, MedGen C2675235, MONDO:0012977, OMIM 612645.

Allele frequency attached by ClinVar (database versions not stated): gnomAD exomes below 0.00001; ExAC 0.00001; gnomAD 0.00001; TOPMed 0.00001.
gnomAD v4.1: 16 of 1,614,016 alleles (0.00099%); highest among the groups gnomAD compares: Non-Finnish European, 0.0014%; no homozygotes.

Submission:

Labcorp Genetics (formerly Invitae), Labcorp
Classification: Uncertain significance for Autosomal dominant nonsyndromic hearing loss 3B; Hidrotic ectodermal dysplasia syndrome; Autosomal recessive nonsyndromic hearing loss 1B; Autosomal recessive nonsyndromic hearing loss 1A. Last evaluated: 2022-11-27. Review status: criteria provided, single submitter. Criteria: Invitae Variant Classification Sherloc (09022015). Collection method: clinical testing. Allele origin: germline.
Comment: In summary, the available evidence is currently insufficient to determine the role of this variant in disease. Therefore, it has been classified as a Variant of Uncertain Significance. Algorithms developed to predict the effect of missense changes on protein structure and function (SIFT, PolyPhen-2, Align-GVGD) all suggest that this variant is likely to be tolerated. ClinVar contains an entry for this variant (Variation ID: 1496632). This variant has not been reported in the literature in individuals affected with GJB6-related conditions. This variant is present in population databases (rs752343828, gnomAD 0.007%). This sequence change replaces serine, which is neutral and polar, with arginine, which is basic and polar, at codon 251 of the GJB6 protein (p.Ser251Arg).